The following is an entry in ClinVar:

NM_004727.3(SLC24A1):c.2601AGAGCAGGAGGAAGAGGAGGAGGAGGA[1] (p.869QEEEEEEEE[1])

Gene: SLC24A1 (solute carrier family 24 member 1; plus strand). Cytogenetic location: 15q22.31.
Variant type: Microsatellite.
Coding change: c.2601AGAGCAGGAGGAAGAGGAGGAGGAGGA[1] on transcript NM_004727.3 (MANE Select); one copy of the 27-base unit AGAGCAGGAGGAAGAGGAGGAGGAGGA starting at c.2601; the reference has two copies in a row; one copy, 27 bases deleted.
Protein change: p.869QEEEEEEEE[1].
Molecular consequence: inframe deletion.
Genome position (GRCh38, 1-based): chr15:65,650,777-65,650,803, AGAGCAGGAGGAAGAGGAGGAGGAGGA deleted; deleting any 27 consecutive bases within chr15:65,650,739-65,650,803 gives the same sequence; the position shown is the placement nearest the transcript's 3' end. VCF-style (leftmost placement, unchanged base first): chr15-65650738-AGAGGAGGAGGAAGAGCAGGAGGAAGAG-A. GRCh37 (hg19) VCF-style: chr15-65943076-AGAGGAGGAGGAAGAGCAGGAGGAAGAG-A.
Other names: c.2628_2654del27 (NM_004727.2); c.582AGAGCAGGAGGAAGAGGAGGAGGAGGA[1], p.196QEEEEEEEE[1] (NM_001254740.2); c.2601AGAGCAGGAGGAAGAGGAGGAGGAGGA[1], p.869QEEEEEEEE[1] (NM_001301031.1); c.2547AGAGCAGGAGGAAGAGGAGGAGGAGGA[1], p.851QEEEEEEEE[1] (NM_001301032.1, NM_001301033.2).
Identifiers: ClinVar variation 1022211 (VCV001022211.6), dbSNP rs780757079, ClinGen allele CA7620153.

ClinVar aggregate classification (germline): Conflicting classifications of pathogenicity. Review status: criteria provided, conflicting classifications (1 of 4 stars). 4 submissions from 4 submitters: Uncertain significance (2); Likely benign (1). 1 of the submissions does not count toward it. Last evaluated 2024-09-05.

Conditions:
SLC24A1-related disorder. Also called: SLC24A1-related condition.

Submissions (4):

Blueprint Genetics
Classification: Likely benign. Last evaluated: 2024-09-05. Review status: criteria provided, single submitter. Criteria: ACMG Guidelines, 2015. Collection method: clinical testing. Allele origin: germline.

Labcorp Genetics (formerly Invitae), Labcorp
Classification: Uncertain significance. Last evaluated: 2022-11-01. Review status: criteria provided, single submitter. Criteria: Invitae Variant Classification Sherloc (09022015). Collection method: clinical testing. Allele origin: germline.
Comment: This variant, c.2628_2654del, results in the deletion of 9 amino acid(s) of the SLC24A1 protein (p.Gln878_Glu886del), but otherwise preserves the integrity of the reading frame. The frequency data for this variant in the population databases is considered unreliable, as metrics indicate poor data quality at this position in the gnomAD database. This variant has been observed in individual(s) with retinal disease (PMID: 12037007). This variant is also known as 2626-52del27bp, 876-884del. Experimental studies and prediction algorithms are not available or were not evaluated, and the functional significance of this variant is currently unknown. In summary, the available evidence is currently insufficient to determine the role of this variant in disease. Therefore, it has been classified as a Variant of Uncertain Significance.

Breakthrough Genomics
Classification: Uncertain significance. Review status: criteria provided, single submitter. Criteria: ACMG Guidelines, 2015. Collection method: not provided. Allele origin: germline. Inheritance: Autosomal recessive inheritance. Affected: yes.

PreventionGenetics, part of Exact Sciences
Classification: Likely benign for SLC24A1-related condition. Last evaluated: 2024-03-20. Review status: no assertion criteria provided. Collection method: clinical testing. Allele origin: germline. Not counted in ClinVar's aggregate classification.
Comment: This variant is classified as likely benign based on ACMG/AMP sequence variant interpretation guidelines (Richards et al. 2015 PMID: 25741868, with internal and published modifications).

Literature cited by the submitters: PubMed 12037007 (cited by Labcorp Genetics (formerly Invitae), Labcorp).